The following is an entry in ClinVar:

NM_004035.7(ACOX1):c.804G>A (p.Pro268=)

Gene: ACOX1 (acyl-CoA oxidase 1; minus strand). Cytogenetic location: 17q25.1.
Variant type: single nucleotide variant.
Coding change: c.804G>A on transcript NM_004035.7 (MANE Select); coding-DNA position 804, G replaced by A.
Protein change: p.Pro268=; no amino-acid change (proline 268 retained).
Molecular consequence: synonymous variant.
Genome position (GRCh38, 1-based): chr17:75,953,591, C>T on the plus strand (G>A on the coding strand, the complement: ACOX1 is on the minus strand). VCF-style: chr17-75953591-C-T. GRCh37 (hg19) VCF-style: chr17-73949672-C-T.
Other names: c.690G>A, p.Pro230= (NM_001185039.2); c.804G>A, p.Pro268= (NM_007292.6).
Identifiers: ClinVar variation 730816 (VCV000730816.24), dbSNP rs114057990, ClinGen allele CA8776912.
Genomic context (GRCh38, chr17:75,953,591, plus strand): 5'-TTCTCCCACAAGGAAGGACCTGACAAACACCATGGTCCCGTAAGTCAGCTTGTTACTCAG[C>T]GGTTTCACGTATGTGCCATCAGGCTTCACCTGGAAGAAGAACGTGGAACTGATACTTCCT-3'
Protein context (NP_004026.2, residues 258-278): QVKPDGTYVK[Pro268=]LSNKLTYGTM

ClinVar aggregate classification (germline): Benign/Likely benign. Review status: criteria provided, multiple submitters, no conflicts (2 of 4 stars). 5 submissions from 5 submitters: Benign (2); Likely benign (2). 1 of the submissions does not count toward it. Last evaluated 2026-01-20.

Conditions:
Acyl-CoA oxidase deficiency. Also called: Pseudoneonatal adrenoleukodystrophy; STRAIGHT-CHAIN ACYL-CoA OXIDASE DEFICIENCY; Peroxisomal acyl-CoA oxidase deficiency. Identifiers: Orphanet 2971, MedGen C1849678, MONDO:0009919, OMIM 264470. Disease mechanism: loss of function.

Allele frequency attached by ClinVar (database versions not stated): gnomAD exomes 0.00022 and 0.00048; ExAC 0.00067; gnomAD 0.00186 and 0.00205; TOPMed 0.00230; ESP Exome Variant Server 0.00231; 1000 Genomes Project 0.00300; 1000 Genomes Project 30x 0.00344.
gnomAD v4.1: 614 of 1,614,080 alleles (0.038%); highest among the groups gnomAD compares: African/African-American, 0.7%; 3 homozygotes.

Submissions (5):

Labcorp Genetics (formerly Invitae), Labcorp
Classification: Benign for Acyl-CoA oxidase deficiency. Last evaluated: 2026-01-20. Review status: criteria provided, single submitter. Criteria: Invitae Variant Classification Sherloc (09022015). Collection method: clinical testing. Allele origin: germline.

CeGaT Center for Human Genetics Tuebingen
Classification: Likely benign. Last evaluated: 2025-03-01. Review status: criteria provided, single submitter. Criteria: CeGaT Center For Human Genetics Tuebingen Variant Classification Criteria Version 2. Collection method: clinical testing. Allele origin: germline. Affected: yes. Observed: 1 variant allele.
Comment: ACOX1: BP4, BP7

Blueprint Genetics
Classification: Likely benign. Last evaluated: 2024-03-19. Review status: criteria provided, single submitter. Criteria: ACMG Guidelines, 2015. Collection method: clinical testing. Allele origin: germline.

Breakthrough Genomics
Classification: Benign. Review status: criteria provided, single submitter. Criteria: ACMG Guidelines, 2015. Collection method: not provided. Allele origin: germline. Inheritance: Autosomal recessive inheritance. Affected: yes.

Natera, Inc.
Classification: Likely benign for Peroxisomal acyl-CoA oxidase deficiency. Last evaluated: 2019-10-22. Review status: no assertion criteria provided. Collection method: clinical testing. Allele origin: germline. Not counted in ClinVar's aggregate classification.